The following is an entry in ClinVar:

NC_000016.9:g.(?_90108858)_(90109753_?)dup

Gene: GAS8 (growth arrest specific 8; plus strand). Cytogenetic location: 16q24.3.
Variant type: Duplication.
Identifiers: ClinVar variation 1511702 (VCV001511702.4).

ClinVar aggregate classification (germline): Uncertain significance (1 of 4 stars; one submission).

Conditions:
Primary ciliary dyskinesia 33. Also called: CILIARY DYSKINESIA, PRIMARY, 33, WITHOUT SITUS INVERSUS. Identifiers: Orphanet 244, MedGen C4225230, MONDO:0014750, OMIM 616726.

Submission:

Labcorp Genetics (formerly Invitae), Labcorp
Classification: Uncertain significance for Primary ciliary dyskinesia 33. Last evaluated: 2022-07-06. Review status: criteria provided, single submitter. Criteria: Invitae Variant Classification Sherloc (09022015). Collection method: clinical testing. Allele origin: germline.
Comment: This variant results in a copy number gain of the genomic region encompassing exon(s) 10-11 of the GAS8 gene. This region includes the termination codon of the gene. This copy number gain extends beyond the assayed region for this gene and therefore may encompass additional genes. As the precise location of this event is unknown, it may be in tandem or it may be located elsewhere in the genome. This variant has not been reported in the literature in individuals affected with GAS8-related conditions. In summary, the available evidence is currently insufficient to determine the role of this variant in disease. Therefore, it has been classified as a Variant of Uncertain Significance.